The following is an entry in ClinVar:

NM_176824.3(BBS7):c.44T>G (p.Val15Gly)

Gene: BBS7 (Bardet-Biedl syndrome 7; minus strand). Cytogenetic location: 4q27.
Variant type: single nucleotide variant.
Coding change: c.44T>G on transcript NM_176824.3 (MANE Select); coding-DNA position 44, T replaced by G.
Protein change: p.Val15Gly; replaces valine 15 with glycine.
Molecular consequence: missense variant.
Genome position (GRCh38, 1-based): chr4:121,868,039, A>C on the plus strand (T>G on the coding strand, the complement: BBS7 is on the minus strand). VCF-style: chr4-121868039-A-C. GRCh37 (hg19) VCF-style: chr4-122789194-A-C.
Other names: c.44T>G, p.Val15Gly (NM_018190.4); short protein forms V15G.
Identifiers: ClinVar variation 3358053 (VCV003358053.1).
Genomic context (GRCh38, chr4:121,868,039, plus strand): 5'-ACCTTTTGTGTAGCTCTGTGTCTTGAGGCAGGAATTAGCTTCATAGTCTTCTGAGATGTT[A>C]CTCCCACCTAAAGAAAAACACCAGATGCCTAGTGAATTTAATTTGAAGTTATTACAGAGA-3'
Protein context (NP_789794.1, residues 5-25): LNRMDYLQVG[Val15Gly]TSQKTMKLIP

ClinVar aggregate classification (germline): Uncertain significance (0 of 4 stars; one submission).

Conditions:
BBS7-related disorder. Also called: BBS7-related condition.

Submission:

PreventionGenetics, part of Exact Sciences
Classification: Uncertain significance for BBS7-related condition. Last evaluated: 2024-09-11. Review status: no assertion criteria provided. Collection method: clinical testing. Allele origin: germline.
Comment: The BBS7 c.44T>G variant is predicted to result in the amino acid substitution p.Val15Gly. To our knowledge, this variant has not been reported in the literature or in a large population database, indicating this variant is rare. At this time, the clinical significance of this variant is uncertain due to the absence of conclusive functional and genetic evidence.